The following is an entry in ClinVar:

NM_020911.2(PLXNA4):c.1782C>T (p.Thr594=)

Gene: PLXNA4 (plexin A4; minus strand). Cytogenetic location: 7q32.3.
Variant type: single nucleotide variant.
Coding change: c.1782C>T on transcript NM_020911.2 (MANE Select); coding-DNA position 1782, C replaced by T.
Protein change: p.Thr594=; no amino-acid change (threonine 594 retained).
Molecular consequence: synonymous variant.
Genome position (GRCh38, 1-based): chr7:132,227,551, G>A on the plus strand (C>T on the coding strand, the complement: PLXNA4 is on the minus strand). VCF-style: chr7-132227551-G-A. GRCh37 (hg19) VCF-style: chr7-131912310-G-A.
Other names: c.1782C>T, p.Thr594= (NM_001393897.1).
Identifiers: ClinVar variation 4989358 (VCV004989358.1).

ClinVar aggregate classification (germline): Likely benign (1 of 4 stars; one submission).

Conditions:
PLXNA4-related disorder. Also called: PLXNA4-related condition.

gnomAD v4.1: 11 of 1,614,054 alleles (0.00068%); highest among the groups gnomAD compares: South Asian, 0.0011%; no homozygotes.

Submission:

PreventionGenetics, part of Exact Sciences
Classification: Likely benign for PLXNA4-related condition. Last evaluated: 2025-01-21. Review status: criteria provided, single submitter. Criteria: ACMG Guidelines, 2015. Collection method: clinical testing. Allele origin: germline.
Comment: This variant is classified as likely benign based on ACMG/AMP sequence variant interpretation guidelines (Richards et al. 2015 PMID: 25741868, with internal and published modifications).